The following is an entry in ClinVar:

NM_001987.5(ETV6):c.80A>G (p.Tyr27Cys)

Gene: ETV6 (ETS variant transcription factor 6; plus strand). Cytogenetic location: 12p13.2.
Variant type: single nucleotide variant.
Coding change: c.80A>G on transcript NM_001987.5 (MANE Select); coding-DNA position 80, A replaced by G.
Protein change: p.Tyr27Cys; replaces tyrosine 27 with cysteine.
Molecular consequence: missense variant. On other transcripts: intron variant (1).
Genome position (GRCh38, 1-based): chr12:11,752,496, A>G. VCF-style: chr12-11752496-A-G. GRCh37 (hg19) VCF-style: chr12-11905430-A-G.
Other names: c.77A>G, p.Tyr26Cys (NM_001413913.1); c.53A>G, p.Tyr18Cys (NM_001413914.1); c.80A>G, p.Tyr27Cys (NM_001413916.1, NM_001413917.1, NM_001413918.1); c.-101-86644A>G (NM_001413915.1); short protein forms Y18C, Y26C, Y27C.
Identifiers: ClinVar variation 4813147 (VCV004813147.1).

ClinVar aggregate classification (germline): Uncertain significance (1 of 4 stars; one submission).

Conditions:
Thrombocytopenia 5 (THC5). Also called: THROMBOCYTOPENIA 5 WITH INCREASED SUSCEPTIBILITY TO MALIGNANCY; THROMBOCYTOPENIA, AUTOSOMAL DOMINANT, 5. Identifiers: MedGen C4015537, MONDO:0014536, OMIM 616216.

Submission:

St. Jude Molecular Pathology, St. Jude Children's Research Hospital
Classification: Uncertain significance for Thrombocytopenia 5. Last evaluated: 2026-02-11. Review status: criteria provided, single submitter. Criteria: St. Jude Assertion Criteria 2020. Collection method: clinical testing. Allele origin: germline.
Comment: The ETV6 c.80A>G p.(Tyr27Cys) missense change is absent in gnomAD v2.1.1. The in silico tool REVEL predicts a benign effect on protein function, but to our knowledge this prediction has not been confirmed by functional studies. To our knowledge, this variant has not been reported in the literature in individuals with ETV6-related disease. In summary, the evidence currently available is insufficient to determine the clinical significance of this variant. It has therefore been classified as of uncertain significance.